The following is an entry in ClinVar:

NM_001715.3(BLK):c.330T>C (p.Ser110=)

Gene: BLK (BLK proto-oncogene, Src family tyrosine kinase). Cytogenetic location: 8p23.1.
Variant type: single nucleotide variant.
Coding change: c.330T>C on transcript NM_001715.3 (MANE Select); coding-DNA position 330, T replaced by C.
Protein change: p.Ser110=; no amino-acid change (serine 110 retained).
Molecular consequence: synonymous variant.
Genome position (GRCh38, 1-based): chr8:11,549,084, T>C. VCF-style: chr8-11549084-T-C. GRCh37 (hg19) VCF-style: chr8-11406593-T-C.
Other names: c.117T>C, p.Ser39= (NM_001330465.2).
Identifiers: ClinVar variation 128527 (VCV000128527.27), dbSNP rs3816668, ClinGen allele CA152041.
Genomic context (GRCh38, chr8:11,549,084, plus strand): 5'-AACTGGAGACTGGTGGCTGGCCAGGTCACTCGTCACAGGAAGAGAAGGCTATGTGCCCAG[T>C]AACTTTGTGGCCCGAGTGGAGAGCCTGGAAATGGAAAGGTAGGTGGGCACGGGAACCCCC-3'
Protein context (NP_001706.2, residues 100-120): LVTGREGYVP[Ser110=]NFVARVESLE

ClinVar aggregate classification (germline): Benign. Review status: criteria provided, multiple submitters, no conflicts (2 of 4 stars). 9 submissions from 9 submitters: Benign (8). 1 of the submissions does not count toward it. Last evaluated 2026-02-04.

Conditions:
Systemic lupus erythematosus (SLE). Identifiers: Orphanet 536, MedGen C0024141, MONDO:0007915, OMIM 152700, HP:0002725.
Maturity-onset diabetes of the young type 11. Identifiers: Orphanet 552, MedGen C3150618, MONDO:0013242, OMIM 613375.

Allele frequency attached by ClinVar (database versions not stated): 1000 Genomes Project 0.41693; 1000 Genomes Project 30x 0.42208; gnomAD exomes 0.44338; TOPMed 0.48085; ExAC 0.48300; gnomAD 0.48633 and 0.49161; ESP Exome Variant Server 0.50969.
gnomAD v4.1: 782,400 of 1,609,686 alleles (49%); highest among the groups gnomAD compares: Middle Eastern, 53%; 196,426 homozygotes.

Submissions (9):

Labcorp Genetics (formerly Invitae), Labcorp
Classification: Benign. Last evaluated: 2026-02-04. Review status: criteria provided, single submitter. Criteria: Invitae Variant Classification Sherloc (09022015). Collection method: clinical testing. Allele origin: germline.

Blueprint Genetics
Classification: Benign. Last evaluated: 2024-11-27. Review status: criteria provided, single submitter. Criteria: ACMG Guidelines, 2015. Collection method: clinical testing. Allele origin: germline.

Genome-Nilou Lab
Classification: Benign for Maturity-onset diabetes of the young type 11. Last evaluated: 2021-07-14. Review status: criteria provided, single submitter. Criteria: ACMG Guidelines, 2015. Collection method: clinical testing. Allele origin: germline. Affected: no.

Illumina Laboratory Services, Illumina
Classification: Benign for Maturity-onset diabetes of the young type 11. Last evaluated: 2018-01-13. Review status: criteria provided, single submitter. Criteria: ICSL Variant Classification Criteria 13 December 2019. Collection method: clinical testing. Allele origin: germline.
Comment: This variant was observed in the ICSL laboratory as part of a predisposition screen in an ostensibly healthy population. It had not been previously curated by ICSL or reported in the Human Gene Mutation Database (HGMD: prior to June 1st, 2018), and was therefore a candidate for classification through an automated scoring system. Utilizing variant allele frequency, disease prevalence and penetrance estimates, and inheritance mode, an automated score was calculated to assess if this variant is too frequent to cause the disease. Based on the score and internal cut-off values, a variant classified as benign is not then subjected to further curation. The score for this variant resulted in a classification of benign for this disease.

GeneDx
Classification: Benign. Last evaluated: 2015-03-03. Review status: criteria provided, single submitter. Criteria: GeneDx Variant Classification Process June 2021. Collection method: clinical testing. Allele origin: germline. Affected: yes.

Breakthrough Genomics
Classification: Benign. Review status: criteria provided, single submitter. Criteria: ACMG Guidelines, 2015. Collection method: not provided. Allele origin: germline. Inheritance: Autosomal dominant inheritance. Affected: yes.

Clinical Genomics, Uppaluri K&H Personalized Medicine Clinic
Classification: Benign for Systemic lupus erythematosus. Review status: criteria provided, single submitter. Criteria: K&H Uppaluri Personalized Medicine Clinic Variant Classification & Assertion Criteria. Collection method: research. Allele origin: somatic. Affected: yes.
Comment: BLK gene locus is associated with Systemic lupus erythematosus, sjogren's syndrome and other systemic inflammatory conditions.

PreventionGenetics, part of Exact Sciences
Classification: Benign. Review status: criteria provided, single submitter. Criteria: ACMG Guidelines, 2015. Collection method: clinical testing. Allele origin: germline.

Genetic Services Laboratory, University of Chicago
Classification: Likely benign for AllHighlyPenetrant. Review status: no assertion criteria provided. Collection method: clinical testing. Allele origin: germline. Inheritance: Autosomal dominant inheritance. Not counted in ClinVar's aggregate classification.
Comment: Likely benign based on allele frequency in 1000 Genomes Project or ESP global frequency and its presence in a patient with a rare or unrelated disease phenotype. NOT Sanger confirmed.

Literature cited by the submitters: PubMed 31683055 (cited by Clinical Genomics, Uppaluri K&H Personalized Medicine Clinic).